The following is an entry in ClinVar:

ClinVar aggregate classification (germline): Likely benign. Review status: criteria provided, multiple submitters, no conflicts (2 of 4 stars). 2 submissions from 2 submitters: Likely benign (2). Last evaluated 2024-08-06.

Allele frequency attached by ClinVar (database versions not stated): gnomAD 0.00001; gnomAD exomes 0.00001 and 0.00003; TOPMed 0.00001; ExAC 0.00004.
gnomAD v4.1: 15 of 1,612,120 alleles (0.00093%); highest among the groups gnomAD compares: South Asian, 0.016%; no homozygotes.

Submissions (2):

Women's Health and Genetics/Laboratory Corporation of America, LabCorp
Classification: Likely benign. Last evaluated: 2024-08-06. Review status: criteria provided, single submitter. Criteria: LabCorp Variant Classification Summary - May 2015. Collection method: clinical testing. Allele origin: germline.
Comment: Variant summary: HPS3 c.1246-9C>T alters a conserved nucleotide located at a position not widely known to affect splicing. Consensus agreement among computation tools predict no significant impact on normal splicing. However, these predictions have yet to be confirmed by functional studies. The variant allele was found at a frequency of 2.8e-05 in 251202 control chromosomes. The available data on variant occurrences in the general population are insufficient to allow any conclusion about variant significance. To our knowledge, no occurrence of c.1246-9C>T in individuals affected with Hermansky-Pudlak Syndrome and no experimental evidence demonstrating its impact on protein function have been reported. ClinVar contains an entry for this variant (Variation ID: 1085244). Based on the evidence outlined above, the variant was classified as likely benign.

Labcorp Genetics (formerly Invitae), Labcorp
Classification: Likely benign. Last evaluated: 2024-01-04. Review status: criteria provided, single submitter. Criteria: Invitae Variant Classification Sherloc (09022015). Collection method: clinical testing. Allele origin: germline.

NM_032383.5(HPS3):c.1246-9C>T

Gene: HPS3 (HPS3 biogenesis of lysosomal organelles complex 2 subunit 1; plus strand). Cytogenetic location: 3q24.
Variant type: single nucleotide variant.
Coding change: c.1246-9C>T on transcript NM_032383.5 (MANE Select); 9 bases into the intron before coding-DNA position 1246, C replaced by T.
Molecular consequence: intron variant.
Genome position (GRCh38, 1-based): chr3:149,153,485, C>T. VCF-style: chr3-149153485-C-T. GRCh37 (hg19) VCF-style: chr3-148871272-C-T.
Other names: c.751-9C>T (NM_001308258.2).
Identifiers: ClinVar variation 1085244 (VCV001085244.10), dbSNP rs760922581, ClinGen allele CA2660056.